The following is an entry in ClinVar:

ClinVar aggregate classification (germline): Uncertain significance. Review status: criteria provided, multiple submitters, no conflicts (2 of 4 stars). 2 submissions from 2 submitters: Uncertain significance (2). Last evaluated 2025-04-18.

Submissions (2):

Ambry Genetics
Classification: Uncertain significance. Last evaluated: 2025-04-18. Review status: criteria provided, single submitter. Criteria: Ambry Variant Classification Scheme 2023. Collection method: clinical testing. Allele origin: germline.

Labcorp Genetics (formerly Invitae), Labcorp
Classification: Uncertain significance. Last evaluated: 2022-11-22. Review status: criteria provided, single submitter. Criteria: Invitae Variant Classification Sherloc (09022015). Collection method: clinical testing. Allele origin: germline.
Comment: In summary, the available evidence is currently insufficient to determine the role of this variant in disease. Therefore, it has been classified as a Variant of Uncertain Significance. Algorithms developed to predict the effect of missense changes on protein structure and function are either unavailable or do not agree on the potential impact of this missense change (SIFT: "Deleterious"; PolyPhen-2: "Benign"; Align-GVGD: "Class C55"). This variant has not been reported in the literature in individuals affected with HMCN1-related conditions. This variant is not present in population databases (gnomAD no frequency). This sequence change replaces threonine, which is neutral and polar, with serine, which is neutral and polar, at codon 3786 of the HMCN1 protein (p.Thr3786Ser).

NM_031935.3(HMCN1):c.11356A>T (p.Thr3786Ser)

Gene: HMCN1 (hemicentin 1; plus strand). Cytogenetic location: 1q31.1.
Variant type: single nucleotide variant.
Coding change: c.11356A>T on transcript NM_031935.3 (MANE Select); coding-DNA position 11356, A replaced by T.
Protein change: p.Thr3786Ser; replaces threonine 3786 with serine.
Molecular consequence: missense variant.
Genome position (GRCh38, 1-based): chr1:186,114,898, A>T. VCF-style: chr1-186114898-A-T. GRCh37 (hg19) VCF-style: chr1-186084030-A-T.
Other names: c.11356A>T (NM_031935.2); short protein forms T3786S.
Identifiers: ClinVar variation 2070490 (VCV002070490.5), dbSNP rs2528005420, ClinGen allele CA343942941.